The following is an entry in ClinVar:

ClinVar aggregate classification (germline): Pathogenic (1 of 4 stars; one submission).

Submission:

GeneDx
Classification: Pathogenic. Last evaluated: 2023-11-06. Review status: criteria provided, single submitter. Criteria: GeneDx Variant Classification Process June 2021. Collection method: clinical testing. Allele origin: germline. Affected: yes.
Comment: Not observed at significant frequency in large population cohorts (gnomAD); In silico analysis supports that this missense variant has a deleterious effect on protein structure/function; Has not been previously published as pathogenic or benign to our knowledge

NM_004247.4(EFTUD2):c.2330G>T (p.Gly777Val)

Gene: EFTUD2 (elongation factor Tu GTP binding domain containing 2; minus strand). Cytogenetic location: 17q21.31.
Variant type: single nucleotide variant.
Coding change: c.2330G>T on transcript NM_004247.4 (MANE Select); coding-DNA position 2330, G replaced by T.
Protein change: p.Gly777Val; replaces glycine 777 with valine.
Molecular consequence: missense variant.
Genome position (GRCh38, 1-based): chr17:44,854,286, C>A on the plus strand (G>T on the coding strand, the complement: EFTUD2 is on the minus strand). VCF-style: chr17-44854286-C-A. GRCh37 (hg19) VCF-style: chr17-42931654-C-A.
Other names: c.2225G>T, p.Gly742Val (NM_001142605.2); c.2330G>T, p.Gly777Val (NM_001258353.2); c.2300G>T, p.Gly767Val (NM_001258354.2); short protein forms G742V, G767V, G777V.
Identifiers: ClinVar variation 2662935 (VCV002662935.1), dbSNP rs2508728134, ClinGen allele CA399842123.
Genomic context (GRCh38, chr17:44,854,286, plus strand): 5'-AGGACCCTCGAGGACTGGGGTGGGGGAGTGCTGGTGGACTTACATTCATCACAGAGGGGG[C>A]CCTCCCTGGTTCCCCACTGGAAACCTTGAACGATGCTGTCCTTCACTGAACCAAGAAGAG-3'
Protein context (NP_004238.3, residues 767-787): VQGFQWGTRE[Gly777Val]PLCDELIRNV